The following is an entry in ClinVar:

NM_017950.4(CCDC40):c.3274T>C (p.Ser1092Pro)

Gene: CCDC40 (coiled-coil domain 40 molecular ruler complex subunit; plus strand). Cytogenetic location: 17q25.3.
Variant type: single nucleotide variant.
Coding change: c.3274T>C on transcript NM_017950.4 (MANE Select); coding-DNA position 3274, T replaced by C.
Protein change: p.Ser1092Pro; replaces serine 1092 with proline.
Molecular consequence: missense variant.
Genome position (GRCh38, 1-based): chr17:80,099,620, T>C. VCF-style: chr17-80099620-T-C. GRCh37 (hg19) VCF-style: chr17-78073419-T-C.
Other names: short protein forms S1092P.
Identifiers: ClinVar variation 1990227 (VCV001990227.4), dbSNP rs1299508184, ClinGen allele CA401357485.

ClinVar aggregate classification (germline): Uncertain significance (1 of 4 stars; one submission).

Conditions:
Primary ciliary dyskinesia. Also called: Ciliary dyskinesia. Identifiers: Orphanet 244, MedGen C0008780, MONDO:0016575, HP:0012265.

Allele frequency attached by ClinVar (database versions not stated): gnomAD 0.00001.
gnomAD v4.1: 1 of 1,613,604 alleles (0.000062%); highest among the groups gnomAD compares: African/African-American, 0.0013%; no homozygotes.

Submission:

Labcorp Genetics (formerly Invitae), Labcorp
Classification: Uncertain significance for Primary ciliary dyskinesia. Last evaluated: 2022-04-16. Review status: criteria provided, single submitter. Criteria: Invitae Variant Classification Sherloc (09022015). Collection method: clinical testing. Allele origin: germline.
Comment: In summary, the available evidence is currently insufficient to determine the role of this variant in disease. Therefore, it has been classified as a Variant of Uncertain Significance. Algorithms developed to predict the effect of missense changes on protein structure and function are either unavailable or do not agree on the potential impact of this missense change (SIFT: "Deleterious"; PolyPhen-2: "Possibly Damaging"; Align-GVGD: "Class C0"). This variant has not been reported in the literature in individuals affected with CCDC40-related conditions. This variant is present in population databases (no rsID available, gnomAD 0.01%). This sequence change replaces serine, which is neutral and polar, with proline, which is neutral and non-polar, at codon 1092 of the CCDC40 protein (p.Ser1092Pro).